The following is an entry in ClinVar:

ClinVar aggregate classification (germline): Pathogenic (1 of 4 stars; one submission).

Conditions:
Inborn genetic diseases. Identifiers: MedGen C0950123, MeSH D030342.

Submission:

Ambry Genetics
Classification: Pathogenic for Inborn genetic diseases. Last evaluated: 2024-10-16. Review status: criteria provided, single submitter. Criteria: Ambry Variant Classification Scheme 2023. Collection method: clinical testing. Allele origin: germline.
Comment: The c.824G>A (p.W275*) alteration, located in exon 4 (coding exon 4) of the CPOX gene, consists of a G to A substitution at nucleotide position 824. This changes the amino acid from a tryptophan (W) to a stop codon at amino acid position 275. This alteration is expected to result in loss of function by premature protein truncation or nonsense-mediated mRNA decay. This variant was not reported in population-based cohorts in the Genome Aggregation Database (gnomAD). Based on the available evidence, this alteration is classified as pathogenic.

NM_000097.7(CPOX):c.824G>A (p.Trp275Ter)

Gene: CPOX (coproporphyrinogen oxidase; minus strand). Cytogenetic location: 3q11.2.
Variant type: single nucleotide variant.
Coding change: c.824G>A on transcript NM_000097.7 (MANE Select); coding-DNA position 824, G replaced by A.
Protein change: p.Trp275Ter; replaces tryptophan 275 with a stop codon.
Molecular consequence: nonsense.
Genome position (GRCh38, 1-based): chr3:98,588,842, C>T on the plus strand (G>A on the coding strand, the complement: CPOX is on the minus strand). VCF-style: chr3-98588842-C-T. GRCh37 (hg19) VCF-style: chr3-98307686-C-T.
Other names: short protein forms W275*.
Identifiers: ClinVar variation 3496547 (VCV003496547.1).